The following is an entry in ClinVar:

ClinVar aggregate classification (germline): Conflicting classifications of pathogenicity. Review status: criteria provided, conflicting classifications (1 of 4 stars). 3 submissions from 2 submitters: Uncertain significance (1); Benign (1); Likely benign (1). Last evaluated 2022-08-01.

Conditions:
Emery-Dreifuss muscular dystrophy 4, autosomal dominant (EDMD4). Also called: EMERY-DREIFUSS MUSCULAR DYSTROPHY 4 WITH VARIABLE FEATURES. Identifiers: Orphanet 261, MedGen C2751807, MONDO:0013071, OMIM 612998.
Autosomal recessive ataxia, Beauce type. Also called: Spinocerebellar ataxia, autosomal recessive 8; SYNE1 Deficiency; ATAXIA, RECESSIVE, OF BEAUCE; SYNE1-Related Autosomal Recessive Cerebellar Ataxia. Identifiers: Orphanet 88644, MedGen C1853116, MONDO:0012549, OMIM 610743.

Allele frequency attached by ClinVar (database versions not stated): TOPMed 0.00042; 1000 Genomes Project 30x 0.00047; gnomAD 0.00049 and 0.00058; gnomAD exomes 0.00087; 1000 Genomes Project 0.00060.
gnomAD v4.1: 679 of 822,676 alleles (0.083%); highest among the groups gnomAD compares: South Asian, 0.45%; 4 homozygotes.

Submissions (3):

CeGaT Center for Human Genetics Tuebingen
Classification: Likely benign. Last evaluated: 2022-08-01. Review status: criteria provided, single submitter. Criteria: CeGaT Center For Human Genetics Tuebingen Variant Classification Criteria Version 2. Collection method: clinical testing. Allele origin: germline. Affected: yes. Observed: 1 variant allele.
Comment: SYNE1: BS2

Illumina Laboratory Services, Illumina
Classification: Benign for Emery-Dreifuss muscular dystrophy 4, autosomal dominant. Last evaluated: 2018-01-13. Review status: criteria provided, single submitter. Criteria: ICSL Variant Classification Criteria 13 December 2019. Collection method: clinical testing. Allele origin: germline.
Comment: This variant was observed in the ICSL laboratory as part of a predisposition screen in an ostensibly healthy population. It had not been previously curated by ICSL or reported in the Human Gene Mutation Database (HGMD: prior to June 1st, 2018), and was therefore a candidate for classification through an automated scoring system. Utilizing variant allele frequency, disease prevalence and penetrance estimates, and inheritance mode, an automated score was calculated to assess if this variant is too frequent to cause the disease. Based on the score and internal cut-off values, a variant classified as benign is not then subjected to further curation. The score for this variant resulted in a classification of benign for this disease.

Illumina Laboratory Services, Illumina
Classification: Uncertain significance for Autosomal recessive ataxia, Beauce type. Last evaluated: 2018-01-13. Review status: criteria provided, single submitter. Criteria: ICSL Variant Classification Criteria 13 December 2019. Collection method: clinical testing. Allele origin: germline.

NM_182961.4(SYNE1):c.*191A>G

Genes: ESR1 (estrogen receptor 1; plus strand), SYNE1 (spectrin repeat containing nuclear envelope protein 1; minus strand). Cytogenetic location: 6q25.2.
Variant type: single nucleotide variant.
Coding change: c.*191A>G on transcript NM_182961.4 (MANE Select); 191 bases downstream of the stop codon, A replaced by G.
Molecular consequence: 3 prime UTR variant. On other transcripts: intron variant (1).
Genome position (GRCh38, 1-based): chr6:152,122,245, T>C on the plus strand (A>G on the coding strand, the complement: SYNE1 is on the minus strand). VCF-style: chr6-152122245-T-C. GRCh37 (hg19) VCF-style: chr6-152443380-T-C.
Other names: c.*396A>G (NM_001347701.2); c.*191A>G (NM_001347702.2, NM_033071.5); c.851-3021T>C (NM_001328100.2).
Identifiers: ClinVar variation 355802 (VCV000355802.29), dbSNP rs567194577, ClinGen allele CA10626320.